The following is an entry in ClinVar:

NM_015629.3(PRPF31):c.-349delC

Genes: PRPF31 (pre-mRNA processing factor 31; plus strand), TFPT (TCF3 fusion partner; minus strand). Cytogenetic location: 19q13.42.
Variant type: Deletion.
Coding change: c.-349delC on transcript NM_015629.3; 349 bases upstream of the start codon, one base deleted (C).
Molecular consequence: 5 prime UTR variant (on NM_013342.4).
Genome position (GRCh38, 1-based): chr19:54,115,457, C deleted; the last of 4 consecutive C bases (chr19:54,115,454-54,115,457); deleting any one gives the same sequence. VCF-style (leftmost placement, unchanged base first): chr19-54115453-AC-A. GRCh37 (hg19) VCF-style: chr19-54618833-AC-A.
Other names: c.-185del (NM_013342.4).
Identifiers: ClinVar variation 3352330 (VCV003352330.1).
Genomic context (GRCh38, chr19:54,115,453, plus strand): 5'-AGGCCTTGTGGGAGTTGTAGTTTCCTGTTTCCGGCTTCGCTTCGGCCCACCCCCACGTCC[AC>A]CCCGAATCCCTGCTTAAAGGCCTTGCTTTCTTGTCTAACGCCGCAACCAGTCCTCTGAGT-3'

ClinVar aggregate classification (germline): Likely benign (0 of 4 stars; one submission).

Conditions:
PRPF31-related disorder. Also called: PRPF31-related condition.

Submission:

PreventionGenetics, part of Exact Sciences
Classification: Likely benign for PRPF31-related condition. Last evaluated: 2024-06-19. Review status: no assertion criteria provided. Collection method: clinical testing. Allele origin: germline.
Comment: This variant is classified as likely benign based on ACMG/AMP sequence variant interpretation guidelines (Richards et al. 2015 PMID: 25741868, with internal and published modifications).